The following is an entry in ClinVar:

NM_001844.5(COL2A1):c.2679+3G>A

Gene: COL2A1 (collagen type II alpha 1 chain; minus strand). Cytogenetic location: 12q13.11.
Variant type: single nucleotide variant.
Coding change: c.2679+3G>A on transcript NM_001844.5 (MANE Select); 3 bases into the intron after coding-DNA position 2679, G replaced by A.
Molecular consequence: intron variant.
Genome position (GRCh38, 1-based): chr12:47,980,006, C>T on the plus strand (G>A on the coding strand, the complement: COL2A1 is on the minus strand). VCF-style: chr12-47980006-C-T. GRCh37 (hg19) VCF-style: chr12-48373789-C-T.
Other names: c.2472+3G>A (NM_033150.3).
Identifiers: ClinVar variation 1374504 (VCV001374504.6), dbSNP rs977658383, ClinGen allele CA236522811.

ClinVar aggregate classification (germline): Uncertain significance (1 of 4 stars; one submission).

Allele frequency attached by ClinVar (database versions not stated): gnomAD exomes below 0.00001; gnomAD 0.00001; TOPMed 0.00001.
gnomAD v4.1: 3 of 1,553,460 alleles (0.00019%); highest among the groups gnomAD compares: Non-Finnish European, 0.00026%; no homozygotes.

Submission:

Labcorp Genetics (formerly Invitae), Labcorp
Classification: Uncertain significance. Last evaluated: 2021-03-04. Review status: criteria provided, single submitter. Criteria: Invitae Variant Classification Sherloc (09022015). Collection method: clinical testing. Allele origin: germline.
Comment: This sequence change falls in intron 40 of the COL2A1 gene. It does not directly change the encoded amino acid sequence of the COL2A1 protein. It affects a nucleotide within the consensus splice site of the intron. This variant is not present in population databases (ExAC no frequency). This variant has not been reported in the literature in individuals with COL2A1-related conditions. Nucleotide substitutions within the consensus splice site are a relatively common cause of aberrant splicing (PMID: 17576681, 9536098). Algorithms developed to predict the effect of sequence changes on RNA splicing suggest that this variant is not likely to affect RNA splicing, but this prediction has not been confirmed by published transcriptional studies. In summary, the available evidence is currently insufficient to determine the role of this variant in disease. Therefore, it has been classified as a Variant of Uncertain Significance.

Literature cited by the submitters: PubMed 17576681; PubMed 9536098.